The following is an entry in ClinVar:

NM_001792.5(CDH2):c.1158+4A>G

Gene: CDH2 (cadherin 2; minus strand). Cytogenetic location: 18q12.1.
Variant type: single nucleotide variant.
Coding change: c.1158+4A>G on transcript NM_001792.5 (MANE Select); 4 bases into the intron after coding-DNA position 1158, A replaced by G.
Molecular consequence: intron variant.
Genome position (GRCh38, 1-based): chr18:27,993,496, T>C on the plus strand (A>G on the coding strand, the complement: CDH2 is on the minus strand). VCF-style: chr18-27993496-T-C. GRCh37 (hg19) VCF-style: chr18-25573460-T-C.
Other names: c.1065+4A>G (NM_001308176.2).
Identifiers: ClinVar variation 1900382 (VCV001900382.5), dbSNP rs775953547, ClinGen allele CA8923508.

ClinVar aggregate classification (germline): Uncertain significance (1 of 4 stars; one submission).

Allele frequency attached by ClinVar (database versions not stated): TOPMed below 0.00001; gnomAD exomes 0.00003; ExAC 0.00007.
gnomAD v4.1: 45 of 1,613,462 alleles (0.0028%); highest among the groups gnomAD compares: South Asian, 0.049%; no homozygotes.

Submission:

Labcorp Genetics (formerly Invitae), Labcorp
Classification: Uncertain significance. Last evaluated: 2025-02-05. Review status: criteria provided, single submitter. Criteria: Invitae Variant Classification Sherloc (09022015). Collection method: clinical testing. Allele origin: germline.
Comment: This sequence change falls in intron 8 of the CDH2 gene. It does not directly change the encoded amino acid sequence of the CDH2 protein. It affects a nucleotide within the consensus splice site. This variant is present in population databases (rs775953547, gnomAD 0.04%). This variant has not been reported in the literature in individuals affected with CDH2-related conditions. ClinVar contains an entry for this variant (Variation ID: 1900382). Variants that disrupt the consensus splice site are a relatively common cause of aberrant splicing (PMID: 17576681, 9536098). Algorithms developed to predict the effect of sequence changes on RNA splicing suggest that this variant is not likely to affect RNA splicing. In summary, the available evidence is currently insufficient to determine the role of this variant in disease. Therefore, it has been classified as a Variant of Uncertain Significance.

Literature cited by the submitters: PubMed 17576681; PubMed 9536098.